The following is an entry in ClinVar:

ClinVar aggregate classification (germline): Conflicting classifications of pathogenicity. Review status: criteria provided, conflicting classifications (1 of 4 stars). 2 submissions from 2 submitters: Likely pathogenic (1); Uncertain significance (1). Last evaluated 2025-02-26.

Conditions:
Coffin-Lowry syndrome (CLS). Also called: Mental retardation with osteocartilaginous abnormalities; COFFIN-LOWRY SYNDROME, MILD. Identifiers: Orphanet 192, MedGen C0265252, MONDO:0010561, OMIM 303600.

Submissions (2):

3billion
Classification: Likely pathogenic for Coffin-Lowry syndrome. Last evaluated: 2025-02-26. Review status: criteria provided, single submitter. Criteria: ACMG Guidelines, 2015. Collection method: clinical testing. Allele origin: germline. Affected: yes.
Comment: The variant is not observed in the gnomAD v4.1.0 dataset. Predicted Consequence/Location: Missense variant Damaging effect on gene or gene product predicted by in silico programs is uncertain [REVEL: 0.50 (damaging >=0.6, benign <0.4), 3Cnet: 0.07 (damaging >=0.6, benign <0.15)]. A different missense change at the same codon (p.Arg119Pro) has been reported as pathogenic/likely pathogenic with strong evidence (ClinVar ID: VCV000372727 /PMID: 11180593). Therefore, this variant is classified as Likely pathogenic according to the recommendation of ACMG/AMP guideline.

Blueprint Genetics
Classification: Uncertain significance. Last evaluated: 2020-05-25. Review status: criteria provided, single submitter. Criteria: ACMG Guidelines, 2015. Collection method: clinical testing. Allele origin: germline.

Literature cited by the submitters: PubMed 11180593 (cited by 3billion).

NM_004586.3(RPS6KA3):c.356G>A (p.Arg119His)

Gene: RPS6KA3 (ribosomal protein S6 kinase A3; minus strand). Cytogenetic location: Xp22.12.
Variant type: single nucleotide variant.
Coding change: c.356G>A on transcript NM_004586.3 (MANE Select); coding-DNA position 356, G replaced by A.
Protein change: p.Arg119His; replaces arginine 119 with histidine.
Molecular consequence: missense variant.
Genome position (GRCh38, 1-based): chrX:20,195,115, C>T on the plus strand (G>A on the coding strand, the complement: RPS6KA3 is on the minus strand). VCF-style: chrX-20195115-C-T. GRCh37 (hg19) VCF-style: chrX-20213233-C-T.
Other names: c.272G>A, p.Arg91His (NM_001438340.1); short protein forms R119H, R91H.
Identifiers: ClinVar variation 4293843 (VCV004293843.2).